The following is an entry in ClinVar:

ClinVar aggregate classification (germline): Conflicting classifications of pathogenicity. Review status: criteria provided, conflicting classifications (1 of 4 stars). 6 submissions from 6 submitters: Uncertain significance (3); Likely benign (3). Last evaluated 2026-04-02.

Conditions:
TTN-related disorder. Also called: TTN-related condition; TTN-related disease; TTN-related disorders.
Cardiovascular phenotype. Identifiers: MedGen CN230736.
Cardiomyopathy (CMYO). Also called: Cardiomyopathies. Identifiers: Orphanet 167848, MedGen C0878544, MONDO:0004994, HP:0001638. Inheritance: Various modes of inheritance.

Allele frequency attached by ClinVar (database versions not stated): gnomAD 0.00001; gnomAD exomes 0.00002 and 0.00004; TOPMed 0.00003; ExAC 0.00004; ESP Exome Variant Server 0.00008.
gnomAD v4.1: 64 of 1,613,280 alleles (0.004%); highest among the groups gnomAD compares: Non-Finnish European, 0.0053%; no homozygotes.

Submissions (6):

Women's Health and Genetics/Laboratory Corporation of America, LabCorp
Classification: Uncertain significance. Last evaluated: 2026-04-02. Review status: criteria provided, single submitter. Criteria: LabCorp Variant Classification Summary - May 2015. Collection method: clinical testing. Allele origin: germline.

PreventionGenetics, part of Exact Sciences
Classification: Uncertain significance for TTN-related condition. Last evaluated: 2024-10-17. Review status: criteria provided, single submitter. Criteria: ACMG Guidelines, 2015. Collection method: clinical testing. Allele origin: germline.
Comment: The TTN c.42940G>A variant is predicted to result in the amino acid substitution p.Val14314Ile. To our knowledge, this variant has not been reported in the literature. This variant is reported in 0.0053% of alleles in individuals of European (Non-Finnish) descent in gnomAD. At this time, the clinical significance of this variant is uncertain due to the absence of conclusive functional and genetic evidence.

Blueprint Genetics
Classification: Likely benign. Last evaluated: 2024-03-18. Review status: criteria provided, single submitter. Criteria: ACMG Guidelines, 2015. Collection method: clinical testing. Allele origin: germline.

CHEO Genetics Diagnostic Laboratory, Children's Hospital of Eastern Ontario
Classification: Likely benign for Cardiomyopathy. Last evaluated: 2022-03-23. Review status: criteria provided, single submitter. Criteria: ACMG Guidelines, 2015. Collection method: clinical testing. Allele origin: germline.

Ambry Genetics
Classification: Uncertain significance for Cardiovascular phenotype. Last evaluated: 2020-02-21. Review status: criteria provided, single submitter. Criteria: Ambry Variant Classification Scheme 2023. Collection method: clinical testing. Allele origin: germline.
Comment: The p.V5249I variant (also known as c.15745G>A), located in coding exon 59 of the TTN gene, results from a G to A substitution at nucleotide position 15745. The valine at codon 5249 is replaced by isoleucine, an amino acid with highly similar properties. This amino acid position is not well conserved in available vertebrate species. In addition, this alteration is predicted to be tolerated by in silico analysis. Since supporting evidence is limited at this time, the clinical significance of this alteration remains unclear.

GeneDx
Classification: Likely benign. Last evaluated: 2019-05-24. Review status: criteria provided, single submitter. Criteria: GeneDx Variant Classification Process June 2021. Collection method: clinical testing. Allele origin: germline. Affected: yes.

NM_001267550.2(TTN):c.42940G>A (p.Val14314Ile)

Gene: TTN (titin; minus strand). Cytogenetic location: 2q31.2.
Variant type: single nucleotide variant.
Coding change: c.42940G>A on transcript NM_001267550.2 (MANE Select); coding-DNA position 42940, G replaced by A.
Protein change: p.Val14314Ile; replaces valine 14314 with isoleucine.
Molecular consequence: missense variant.
Genome position (GRCh38, 1-based): chr2:178,633,419, C>T on the plus strand (G>A on the coding strand, the complement: TTN is on the minus strand). VCF-style: chr2-178633419-C-T. GRCh37 (hg19) VCF-style: chr2-179498146-C-T.
Other names: c.38017G>A, p.Val12673Ile (NM_001256850.1); c.15745G>A, p.Val5249Ile (NM_003319.4); c.35236G>A, p.Val11746Ile (NM_133378.4); c.16120G>A, p.Val5374Ile (NM_133432.3); c.16321G>A, p.Val5441Ile (NM_133437.4); short protein forms V12673I, V14314I, V11746I, V5249I, V5374I, V5441I.
Identifiers: ClinVar variation 507561 (VCV000507561.10), dbSNP rs376881525, ClinGen allele CA1995989.